The following is an entry in ClinVar:

NM_001243177.4(ALDOA):c.499G>A (p.Val167Met)

Genes: ALDOA (aldolase, fructose-bisphosphate A; plus strand), LOC112694756 (uncharaterized LOC112694756; plus strand). Cytogenetic location: 16p11.2.
Variant type: single nucleotide variant.
Coding change: c.499G>A on transcript NM_001243177.4 (MANE Select); coding-DNA position 499, G replaced by A.
Protein change: p.Val167Met; replaces valine 167 with methionine.
Molecular consequence: missense variant. On other transcripts: 3 prime UTR variant (3).
Genome position (GRCh38, 1-based): chr16:30,068,658, G>A. VCF-style: chr16-30068658-G-A. GRCh37 (hg19) VCF-style: chr16-30079979-G-A.
Other names: c.*846G>A (NM_001365304.2, NM_001365305.2, NM_001365307.2); c.337G>A, p.Val113Met (NM_001127617.2, NM_184041.5, NM_184043.2); c.337G>A (NM_184041.4); short protein forms V113M, V167M.
Identifiers: ClinVar variation 2153998 (VCV002153998.2), dbSNP rs148193398, ClinGen allele CA8000956.

ClinVar aggregate classification (germline): Uncertain significance. Review status: criteria provided, multiple submitters, no conflicts (2 of 4 stars). 2 submissions from 2 submitters: Uncertain significance (2). Last evaluated 2024-02-12.

Conditions:
HNSHA due to aldolase A deficiency (GSD12). Also called: GLYCOGEN STORAGE DISEASE XII; GSD XII; RED CELL ALDOLASE DEFICIENCY; Glycogen storage disease due to aldolase A deficiency. Identifiers: Orphanet 57, MedGen C0272066, MONDO:0012747, OMIM 611881.

Allele frequency attached by ClinVar (database versions not stated): gnomAD exomes 0.00004; ExAC 0.00005; gnomAD 0.00005; TOPMed 0.00006; ESP Exome Variant Server 0.00015; 1000 Genomes Project 30x 0.00016; 1000 Genomes Project 0.00020.
gnomAD v4.1: 66 of 1,614,210 alleles (0.0041%); highest among the groups gnomAD compares: South Asian, 0.015%; 1 homozygote.

Submissions (2):

Revvity Omics, Revvity
Classification: Uncertain significance for HNSHA due to aldolase A deficiency. Last evaluated: 2024-02-12. Review status: criteria provided, single submitter. Criteria: ACMG Guidelines, 2015. Collection method: clinical testing. Allele origin: germline.

Labcorp Genetics (formerly Invitae), Labcorp
Classification: Uncertain significance for HNSHA due to aldolase A deficiency. Last evaluated: 2022-05-31. Review status: criteria provided, single submitter. Criteria: Invitae Variant Classification Sherloc (09022015). Collection method: clinical testing. Allele origin: germline.
Comment: This sequence change replaces valine, which is neutral and non-polar, with methionine, which is neutral and non-polar, at codon 113 of the ALDOA protein (p.Val113Met). This variant is present in population databases (rs148193398, gnomAD 0.01%). This variant has not been reported in the literature in individuals affected with ALDOA-related conditions. Algorithms developed to predict the effect of missense changes on protein structure and function are either unavailable or do not agree on the potential impact of this missense change (SIFT: "Deleterious"; PolyPhen-2: "Possibly Damaging"; Align-GVGD: "Class C0"). In summary, the available evidence is currently insufficient to determine the role of this variant in disease. Therefore, it has been classified as a Variant of Uncertain Significance.